The following is an entry in ClinVar:

ClinVar aggregate classification (germline): Pathogenic (1 of 4 stars; one submission).

Conditions:
Retinoblastoma (RB1). Also called: RETINOBLASTOMA, SOMATIC. Identifiers: Orphanet 790, MedGen C0035335, MeSH D012175, MONDO:0008380, OMIM 180200, HP:0009919. Disease mechanism: loss of function. Inheritance: Both sporadic and heritable forms are tested..

Submission:

Labcorp Genetics (formerly Invitae), Labcorp
Classification: Pathogenic for Retinoblastoma. Last evaluated: 2021-08-12. Review status: criteria provided, single submitter. Criteria: Invitae Variant Classification Sherloc (09022015). Collection method: clinical testing. Allele origin: germline.
Comment: This variant is a gross deletion of the genomic region encompassing exon(s) 18-27 of the RB1 gene, which includes the termination codon. This deletion extends beyond the assayed region for this gene and therefore may encompass additional genes. While this deletion is not anticipated to lead to nonsense mediated decay, it is expected to alter mRNA translation or result in a truncated protein product. A similar copy number variant has been observed in individuals with bilateral retinoblastoma (PMID: 12541220, 23301675). This variant disrupts a region of the RB1 protein in which other variant(s) (Deletion of exons 25-26) have been determined to be pathogenic (PMID: 24688104; Invitae). This suggests that this is a clinically significant region of the protein, and that variants that disrupt it are likely to be disease-causing. For these reasons, this variant has been classified as Pathogenic.

Literature cited by the submitters: PubMed 12541220; PubMed 23301675; PubMed 24688104.

NC_000013.10:g.(?_49027115)_(49054207_?)del

Gene: RB1 (RB transcriptional corepressor 1; plus strand). Cytogenetic location: 13q14.2.
Variant type: Deletion.
Identifiers: ClinVar variation 1365385 (VCV001365385.5).